The following is an entry in ClinVar:

NM_000179.3(MSH6):c.1991C>T (p.Ser664Leu)

Gene: MSH6 (mutS homolog 6; plus strand). Cytogenetic location: 2p16.3.
Variant type: single nucleotide variant.
Coding change: c.1991C>T on transcript NM_000179.3 (MANE Select); coding-DNA position 1991, C replaced by T.
Protein change: p.Ser664Leu; replaces serine 664 with leucine.
Molecular consequence: missense variant.
Genome position (GRCh38, 1-based): chr2:47,799,974, C>T. VCF-style: chr2-47799974-C-T. GRCh37 (hg19) VCF-style: chr2-48027113-C-T.
Other names: c.1601C>T, p.Ser534Leu (NM_001281492.2); c.1085C>T, p.Ser362Leu (NM_001281493.2, NM_001281494.2); short protein forms S664L, S534L, S362L.
Identifiers: ClinVar variation 449885 (VCV000449885.22), dbSNP rs1553413355, ClinGen allele CA346750650.
Genomic context (GRCh38, chr2:47,799,974, plus strand): 5'-GGGAAAAGCTAAGTGATGGCATTGGGGTGATGTTACCCCAGGTGCTTAAAGGTATGACTT[C>T]AGAGTCTGATTCCATTGGGTTGACACCAGGAGAGAAAAGTGAATTGGCCCTCTCTGCTCT-3'
Protein context (NP_000170.1, residues 654-674): MLPQVLKGMT[Ser664Leu]ESDSIGLTPG

ClinVar aggregate classification (germline): Uncertain significance. Review status: criteria provided, multiple submitters, no conflicts (2 of 4 stars). 6 submissions from 6 submitters: Uncertain significance (5). 1 of the submissions does not count toward it. Last evaluated 2025-10-21.

Conditions:
MSH6-related disorder. Also called: MSH6-related condition; MSH6-Related disorders.
Hereditary nonpolyposis colorectal neoplasms. Identifiers: MedGen C0009405, MeSH D003123.
Hereditary cancer-predisposing syndrome. Also called: Neoplastic Syndromes, Hereditary; Hereditary neoplastic syndrome; Hereditary Cancer Syndrome; Tumor predisposition. Identifiers: Orphanet 140162, MedGen C0027672, MeSH D009386, MONDO:0015356.
Endometrial carcinoma. Also called: Endometrial carcinoma, somatic. Identifiers: MedGen C0476089, MONDO:0002447, OMIM 608089, HP:0012114.

Submissions (6):

Labcorp Genetics (formerly Invitae), Labcorp
Classification: Uncertain significance for Hereditary nonpolyposis colorectal neoplasms. Last evaluated: 2025-10-21. Review status: criteria provided, single submitter. Criteria: Invitae Variant Classification Sherloc (09022015). Collection method: clinical testing. Allele origin: germline.
Comment: This sequence change replaces serine, which is neutral and polar, with leucine, which is neutral and non-polar, at codon 664 of the MSH6 protein (p.Ser664Leu). This variant is not present in population databases (gnomAD no frequency). This missense change has been observed in individual(s) with triple negative breast cancer (PMID: 30630526). ClinVar contains an entry for this variant (Variation ID: 449885). Invitae Evidence Modeling of protein sequence and biophysical properties (such as structural, functional, and spatial information, amino acid conservation, physicochemical variation, residue mobility, and thermodynamic stability) indicates that this missense variant is not expected to disrupt MSH6 protein function with a negative predictive value of 95%. In summary, the available evidence is currently insufficient to determine the role of this variant in disease. Therefore, it has been classified as a Variant of Uncertain Significance.

Ambry Genetics
Classification: Uncertain significance for Hereditary cancer-predisposing syndrome. Last evaluated: 2025-08-09. Review status: criteria provided, single submitter. Criteria: Ambry Variant Classification Scheme 2023. Collection method: clinical testing. Allele origin: germline.
Comment: The p.S664L variant (also known as c.1991C>T), located in coding exon 4 of the MSH6 gene, results from a C to T substitution at nucleotide position 1991. The serine at codon 664 is replaced by leucine, an amino acid with dissimilar properties. This alteration was detected in a cohort of 66 Chinese triple-negative breast cancer patients (Yi D et al. Hum Genomics, 2019 Jan;13:4). This amino acid position is well conserved in available vertebrate species. In addition, this alteration is predicted to be deleterious by in silico analysis. Since supporting evidence is limited at this time, the clinical significance of this alteration remains unclear.

Baylor Genetics
Classification: Uncertain significance for Endometrial carcinoma. Last evaluated: 2024-02-02. Review status: criteria provided, single submitter. Criteria: ACMG Guidelines, 2015. Collection method: clinical testing. Allele origin: unknown.

GeneDx
Classification: Uncertain significance. Last evaluated: 2020-02-26. Review status: criteria provided, single submitter. Criteria: GeneDx Variant Classification Process June 2021. Collection method: clinical testing. Allele origin: germline. Affected: yes.
Comment: Observed in a triple negative breast cancer patient (Yi 2019); Not observed in large population cohorts (Lek 2016); In silico analysis supports that this missense variant has a deleterious effect on protein structure/function; This variant is associated with the following publications: (PMID: 30630526)

Color Diagnostics, LLC DBA Color Health
Classification: Uncertain significance for Hereditary cancer-predisposing syndrome. Last evaluated: 2018-11-25. Review status: criteria provided, single submitter. Criteria: ACMG Guidelines, 2015. Collection method: clinical testing. Allele origin: germline.

PreventionGenetics, part of Exact Sciences
Classification: Uncertain significance for MSH6-related condition. Last evaluated: 2024-07-30. Review status: no assertion criteria provided. Collection method: clinical testing. Allele origin: germline. Not counted in ClinVar's aggregate classification.
Comment: The MSH6 c.1991C>T variant is predicted to result in the amino acid substitution p.Ser664Leu. This variant was reported in the heterozygous state in an individual with triple negative breast cancer (Table S2. Yi et al. 2019. PubMed ID: 30630526). This variant has not been reported in gnomAD, indicating this variant is rare. This variant is classified as a variant of uncertain significance in ClinVar. At this time, the clinical significance of this variant is uncertain due to the absence of conclusive functional and genetic evidence.

Literature cited by the submitters: PubMed 30630526 (cited by Labcorp Genetics (formerly Invitae), Labcorp and Ambry Genetics).